The following is an entry in ClinVar:

NM_032208.3(ANTXR1):c.18G>A (p.Arg6=)

Gene: ANTXR1 (ANTXR cell adhesion molecule 1; plus strand). Cytogenetic location: 2p13.3.
Variant type: single nucleotide variant.
Coding change: c.18G>A on transcript NM_032208.3 (MANE Select); coding-DNA position 18, G replaced by A.
Protein change: p.Arg6=; no amino-acid change (arginine 6 retained).
Molecular consequence: synonymous variant.
Genome position (GRCh38, 1-based): chr2:69,013,517, G>A. VCF-style: chr2-69013517-G-A. GRCh37 (hg19) VCF-style: chr2-69240649-G-A.
Other names: c.18G>A, p.Arg6= (NM_001410840.1, NM_018153.3, NM_053034.2); c.18G>A (NM_032208.2).
Identifiers: ClinVar variation 1694959 (VCV001694959.36), dbSNP rs142417854, ClinGen allele CA1692733.
Genomic context (GRCh38, chr2:69,013,517, plus strand): 5'-AGCGTGGGAAGGAGCGGACCCTGCTCTCCCCGGGCTGCGGGCCATGGCCACGGCGGAGCG[G>A]AGAGCCCTCGGCATCGGCTTCCAGTGGCTCTCTTTGGCCACTCTGGTGCTCATCTGCGCC-3'
Protein context (NP_115584.1, residues 1-16): MATAE[Arg6=]RALGIGFQWL

ClinVar aggregate classification (germline): Benign/Likely benign. Review status: criteria provided, multiple submitters, no conflicts (2 of 4 stars). 3 submissions from 3 submitters: Benign (1); Likely benign (1). 1 of the submissions does not count toward it. Last evaluated 2026-09-01.

Conditions:
ANTXR1-related disorder. Also called: ANTXR1-related condition.

Allele frequency attached by ClinVar (database versions not stated): 1000 Genomes Project 0.00040; 1000 Genomes Project 30x 0.00047; gnomAD exomes 0.00102; gnomAD 0.00121 and 0.00122; TOPMed 0.00124; ESP Exome Variant Server 0.00147; ExAC 0.00177.
gnomAD v4.1: 3,129 of 1,588,874 alleles (0.2%); highest among the groups gnomAD compares: Non-Finnish European, 0.25%; 5 homozygotes.

Submissions (3):

CeGaT Center for Human Genetics Tuebingen
Classification: Likely benign. Last evaluated: 2026-09-01. Review status: criteria provided, single submitter. Criteria: CeGaT Center For Human Genetics Tuebingen Variant Classification Criteria Version 2. Collection method: clinical testing. Allele origin: germline. Affected: yes. Observed: 4 variant alleles.
Comment: ANTXR1: BP4, BP7

Labcorp Genetics (formerly Invitae), Labcorp
Classification: Benign. Last evaluated: 2025-11-18. Review status: criteria provided, single submitter. Criteria: Invitae Variant Classification Sherloc (09022015). Collection method: clinical testing. Allele origin: germline.

PreventionGenetics, part of Exact Sciences
Classification: Likely benign for ANTXR1-related condition. Last evaluated: 2024-08-29. Review status: no assertion criteria provided. Collection method: clinical testing. Allele origin: germline. Not counted in ClinVar's aggregate classification.
Comment: This variant is classified as likely benign based on ACMG/AMP sequence variant interpretation guidelines (Richards et al. 2015 PMID: 25741868, with internal and published modifications).